The following is an entry in ClinVar:

ClinVar aggregate classification (germline): Uncertain significance. Review status: criteria provided, multiple submitters, no conflicts (2 of 4 stars). 2 submissions from 2 submitters: Uncertain significance (2). Last evaluated 2026-06-03.

Submissions (2):

Women's Health and Genetics/Laboratory Corporation of America, LabCorp
Classification: Uncertain significance. Last evaluated: 2026-06-03. Review status: criteria provided, single submitter. Criteria: LabCorp Variant Classification Summary - May 2015. Collection method: clinical testing. Allele origin: germline.
Comment: Variant summary: LOXL3 c.1078G>A (p.Ala360Thr) results in a non-conservative amino acid change in the encoded protein sequence. Algorithms developed to predict the effect of missense changes on protein structure and function are either unavailable or do not agree on the potential impact of this missense change. The variant allele was found at a frequency of 3.2e-05 in 250676 control chromosomes. The available data on variant occurrences in the general population are insufficient to allow any conclusion about variant significance. To our knowledge, no occurrence of c.1078G>A in individuals affected with LOXL3-related conditions and no experimental evidence demonstrating its impact on protein function have been reported. ClinVar contains an entry for this variant (Variation ID: 4048071). Based on the evidence outlined above, the variant was classified as uncertain significance.

Ambry Genetics
Classification: Uncertain significance. Last evaluated: 2025-04-18. Review status: criteria provided, single submitter. Criteria: Ambry Variant Classification Scheme 2023. Collection method: clinical testing. Allele origin: germline.

NM_032603.5(LOXL3):c.1078G>A (p.Ala360Thr)

Gene: LOXL3 (lysyl oxidase like 3; minus strand). Cytogenetic location: 2p13.1.
Variant type: single nucleotide variant.
Coding change: c.1078G>A on transcript NM_032603.5 (MANE Select); coding-DNA position 1078, G replaced by A.
Protein change: p.Ala360Thr; replaces alanine 360 with threonine.
Molecular consequence: missense variant. On other transcripts: 5 prime UTR variant (1).
Genome position (GRCh38, 1-based): chr2:74,536,306, C>T on the plus strand (G>A on the coding strand, the complement: LOXL3 is on the minus strand). VCF-style: chr2-74536306-C-T. GRCh37 (hg19) VCF-style: chr2-74763433-C-T.
Other names: c.643G>A, p.Ala215Thr (NM_001289164.3); c.-6G>A (NM_001289165.2); short protein forms A215T, A360T.
Identifiers: ClinVar variation 4048071 (VCV004048071.2).
Genomic context (GRCh38, chr2:74,536,306, plus strand): 5'-GCATGTACCTCCTTCCCTCTCCCTCCCACCTCCATGCCACCTCACCCTGCCCCATGCGAG[C>T]GCCACTCAGAGCTTCTCGAGCACTCCCGAAGCCCAGCTCCCGACACACCACGCTGGCTGC-3'
Protein context (NP_115992.1, residues 350-370): FGSAREALSG[Ala360Thr]RMGQGMGAIH